The following is an entry in ClinVar:

NM_001370595.2(COA8):c.263A>G (p.Gln88Arg)

Gene: COA8 (cytochrome c oxidase assembly factor 8; plus strand). Cytogenetic location: 14q32.33.
Variant type: single nucleotide variant.
Coding change: c.263A>G on transcript NM_001370595.2 (MANE Select); coding-DNA position 263, A replaced by G.
Protein change: p.Gln88Arg; replaces glutamine 88 with arginine.
Molecular consequence: missense variant. On other transcripts: non-coding transcript variant (2).
Genome position (GRCh38, 1-based): chr14:103,571,762, A>G. VCF-style: chr14-103571762-A-G. GRCh37 (hg19) VCF-style: chr14-104038099-A-G.
Other names: c.302A>G (NM_032374.4, NM_032374.3); c.263A>G, p.Gln88Arg (NM_001302653.2, NM_001302654.2); short protein forms Q88R.
Identifiers: ClinVar variation 1681864 (VCV001681864.8), dbSNP rs748327463, ClinGen allele CA7365484.

ClinVar aggregate classification (germline): Uncertain significance. Review status: criteria provided, multiple submitters, no conflicts (2 of 4 stars). 3 submissions from 3 submitters: Uncertain significance (3). Last evaluated 2025-05-28.

Conditions:
Inborn genetic diseases. Identifiers: MedGen C0950123, MeSH D030342.

Allele frequency attached by ClinVar (database versions not stated): TOPMed 0.00001; gnomAD exomes 0.00002 and 0.00003; gnomAD 0.00003 and 0.00004; ExAC 0.00005.
gnomAD v4.1: 35 of 1,614,090 alleles (0.0022%); highest among the groups gnomAD compares: Non-Finnish European, 0.0024%; no homozygotes.

Submissions (3):

Ambry Genetics
Classification: Uncertain significance for Inborn genetic diseases. Last evaluated: 2025-05-28. Review status: criteria provided, single submitter. Criteria: Ambry Variant Classification Scheme 2023. Collection method: clinical testing. Allele origin: germline.

Labcorp Genetics (formerly Invitae), Labcorp
Classification: Uncertain significance. Last evaluated: 2024-05-21. Review status: criteria provided, single submitter. Criteria: Invitae Variant Classification Sherloc (09022015). Collection method: clinical testing. Allele origin: germline.
Comment: This sequence change replaces glutamine, which is neutral and polar, with arginine, which is basic and polar, at codon 101 of the APOPT1 protein (p.Gln101Arg). This variant is present in population databases (rs748327463, gnomAD 0.02%). This variant has not been reported in the literature in individuals affected with APOPT1-related conditions. ClinVar contains an entry for this variant (Variation ID: 1681864). An algorithm developed to predict the effect of missense changes on protein structure and function (PolyPhen-2) suggests that this variant is likely to be tolerated. In summary, the available evidence is currently insufficient to determine the role of this variant in disease. Therefore, it has been classified as a Variant of Uncertain Significance.

GeneDx
Classification: Uncertain significance. Last evaluated: 2022-03-18. Review status: criteria provided, single submitter. Criteria: GeneDx Variant Classification Process June 2021. Collection method: clinical testing. Allele origin: germline. Affected: yes.
Comment: Not observed at significant frequency in large population cohorts (gnomAD); In silico analysis supports that this missense variant has a deleterious effect on protein structure/function; Has not been previously published as pathogenic or benign to our knowledge